The following is an entry in ClinVar:

NM_001080517.3(SETD5):c.2012del (p.Asn671fs)

Gene: SETD5 (SET domain containing 5; plus strand). Cytogenetic location: 3p25.3.
Variant type: Deletion.
Coding change: c.2012del on transcript NM_001080517.3 (MANE Select); coding-DNA position 2012, one base deleted (A; older notation c.2012delA).
Protein change: p.Asn671fs; shifts the reading frame from asparagine 671.
Molecular consequence: frameshift variant.
Genome position (GRCh38, 1-based): chr3:9,447,915, A deleted; the last of 4 consecutive A bases (chr3:9,447,912-9,447,915); deleting any one gives the same sequence. VCF-style (leftmost placement, unchanged base first): chr3-9447911-GA-G. GRCh37 (hg19) VCF-style: chr3-9489595-GA-G.
Other names: c.1718del, p.Asn573fs (NM_001292043.2, NM_001349451.2); c.2108del, p.Asn703fs (NM_001437633.1); c.2069del, p.Asn690fs (NM_001437635.1); c.2012del, p.Asn671fs (NM_001437643.1); c.2051del, p.Asn684fs (NM_001437701.1); short protein forms N573fs, N671fs, N684fs, N690fs, N703fs.
Identifiers: ClinVar variation 5019850 (VCV005019850.1).

ClinVar aggregate classification (germline): Pathogenic (1 of 4 stars; one submission).

Conditions:
Intellectual disability-facial dysmorphism syndrome due to SETD5 haploinsufficiency (MRD23). Also called: Intellectual developmental disorder, autosomal dominant 23. Identifiers: Orphanet 404440, MedGen C3810406, MONDO:0014336, OMIM 615761.

Submission:

Juno Genomics, Hangzhou Juno Genomics, Inc
Classification: Pathogenic for Intellectual disability-facial dysmorphism syndrome due to SETD5 haploinsufficiency. Review status: criteria provided, single submitter. Criteria: ACMG Guidelines, 2015. Collection method: clinical testing. Allele origin: germline. Affected: yes.
Comment: Absent from controls (or at extremely low frequency if recessive) in Genome Aggregation Database.;De novo (both maternity and paternity confirmed) in a patient with the disease and no family history.;Null variant in a gene where loss of function (LOF) is a known mechanism of disease.